The following is an entry in ClinVar:

NM_005245.4(FAT1):c.10045G>A (p.Val3349Ile)

Gene: FAT1 (FAT atypical cadherin 1; minus strand). Cytogenetic location: 4q35.2.
Variant type: single nucleotide variant.
Coding change: c.10045G>A on transcript NM_005245.4 (MANE Select); coding-DNA position 10045, G replaced by A.
Protein change: p.Val3349Ile; replaces valine 3349 with isoleucine.
Molecular consequence: missense variant.
Genome position (GRCh38, 1-based): chr4:186,609,824, C>T on the plus strand (G>A on the coding strand, the complement: FAT1 is on the minus strand). VCF-style: chr4-186609824-C-T. GRCh37 (hg19) VCF-style: chr4-187530978-C-T.
Other names: short protein forms V3349I.
Identifiers: ClinVar variation 2721624 (VCV002721624.3), dbSNP rs376075512, ClinGen allele CA3165503.

ClinVar aggregate classification (germline): Uncertain significance (1 of 4 stars; one submission).

Allele frequency attached by ClinVar (database versions not stated): gnomAD exomes 0.00002; TOPMed 0.00005; ExAC 0.00006; ESP Exome Variant Server 0.00008; gnomAD 0.00010.
gnomAD v4.1: 40 of 1,612,732 alleles (0.0025%); highest among the groups gnomAD compares: African/African-American, 0.025%; no homozygotes.

Submission:

Labcorp Genetics (formerly Invitae), Labcorp
Classification: Uncertain significance. Last evaluated: 2023-07-07. Review status: criteria provided, single submitter. Criteria: Invitae Variant Classification Sherloc (09022015). Collection method: clinical testing. Allele origin: germline.
Comment: The frequency data for this variant in the population databases is considered unreliable, as metrics indicate poor data quality at this position in the gnomAD database. This sequence change replaces valine, which is neutral and non-polar, with isoleucine, which is neutral and non-polar, at codon 3349 of the FAT1 protein (p.Val3349Ile). This variant has not been reported in the literature in individuals affected with FAT1-related conditions. In summary, the available evidence is currently insufficient to determine the role of this variant in disease. Therefore, it has been classified as a Variant of Uncertain Significance. Advanced modeling of protein sequence and biophysical properties (such as structural, functional, and spatial information, amino acid conservation, physicochemical variation, residue mobility, and thermodynamic stability) performed at Invitae indicates that this missense variant is not expected to disrupt FAT1 protein function.